The following is an entry in ClinVar:

ClinVar aggregate classification (germline): Uncertain significance (1 of 4 stars; one submission).

Conditions:
Immunodeficiency 51 (IMD51). Also called: CANDIDIASIS, FAMILIAL, 5. Identifiers: Orphanet 1334, MedGen C4310803, MONDO:0013500, OMIM 613953.

Allele frequency attached by ClinVar (database versions not stated): TOPMed 0.00001; gnomAD 0.00002; ExAC 0.00007; gnomAD exomes 0.00008.
gnomAD v4.1: 26 of 1,613,470 alleles (0.0016%); highest among the groups gnomAD compares: Admixed American, 0.033%; no homozygotes.

Submission:

Labcorp Genetics (formerly Invitae), Labcorp
Classification: Uncertain significance for Immunodeficiency 51. Last evaluated: 2021-10-13. Review status: criteria provided, single submitter. Criteria: Invitae Variant Classification Sherloc (09022015). Collection method: clinical testing. Allele origin: germline.
Comment: This variant has not been reported in the literature in individuals affected with IL17RA-related conditions. This variant is present in population databases (rs764531960, ExAC 0.07%). This sequence change replaces leucine with isoleucine at codon 48 of the IL17RA protein (p.Leu48Ile). The leucine residue is moderately conserved and there is a small physicochemical difference between leucine and isoleucine. Algorithms developed to predict the effect of missense changes on protein structure and function are either unavailable or do not agree on the potential impact of this missense change (SIFT: "Tolerated"; PolyPhen-2: "Probably Damaging"; Align-GVGD: "Class C0"). In summary, the available evidence is currently insufficient to determine the role of this variant in disease. Therefore, it has been classified as a Variant of Uncertain Significance.

NM_014339.7(IL17RA):c.142C>A (p.Leu48Ile)

Gene: IL17RA (interleukin 17 receptor A; plus strand). Cytogenetic location: 22q11.1.
Variant type: single nucleotide variant.
Coding change: c.142C>A on transcript NM_014339.7 (MANE Select); coding-DNA position 142, C replaced by A.
Protein change: p.Leu48Ile; replaces leucine 48 with isoleucine.
Molecular consequence: missense variant.
Genome position (GRCh38, 1-based): chr22:17,097,065, C>A. VCF-style: chr22-17097065-C-A. GRCh37 (hg19) VCF-style: chr22-17577955-C-A.
Other names: c.142C>A, p.Leu48Ile (NM_001289905.2); short protein forms L48I.
Identifiers: ClinVar variation 1478011 (VCV001478011.5), dbSNP rs764531960, ClinGen allele CA10086228.